The following is an entry in ClinVar:

NM_000091.5(COL4A3):c.646-13T>G

Genes: MFF-DT (MFF divergent transcript; minus strand), COL4A3 (collagen type IV alpha 3 chain; plus strand). Cytogenetic location: 2q36.3.
Variant type: single nucleotide variant.
Coding change: c.646-13T>G on transcript NM_000091.5 (MANE Select); 13 bases into the intron before coding-DNA position 646, T replaced by G.
Molecular consequence: intron variant.
Genome position (GRCh38, 1-based): chr2:227,253,283, T>G. VCF-style: chr2-227253283-T-G. GRCh37 (hg19) VCF-style: chr2-228117999-T-G.
Identifiers: ClinVar variation 1974265 (VCV001974265.5), dbSNP rs1427852662, ClinGen allele CA765684491.

ClinVar aggregate classification (germline): Uncertain significance (1 of 4 stars; one submission).

Allele frequency attached by ClinVar (database versions not stated): TOPMed below 0.00001; gnomAD 0.00001.
gnomAD v4.1: 1 of 1,612,648 alleles (0.000062%); highest among the groups gnomAD compares: African/African-American, 0.0013%; no homozygotes.

Submission:

Labcorp Genetics (formerly Invitae), Labcorp
Classification: Uncertain significance. Last evaluated: 2025-06-12. Review status: criteria provided, single submitter. Criteria: Invitae Variant Classification Sherloc (09022015). Collection method: clinical testing. Allele origin: germline.
Comment: This sequence change falls in intron 11 of the COL4A3 gene. It does not directly change the encoded amino acid sequence of the COL4A3 protein. This variant is not present in population databases (gnomAD no frequency). This variant has been observed in individual(s) with clinical features of COL4A3-related conditions (internal data). ClinVar contains an entry for this variant (Variation ID: 1974265). Algorithms developed to predict the effect of sequence changes on RNA splicing suggest that this variant may disrupt the consensus splice site. In summary, the available evidence is currently insufficient to determine the role of this variant in disease. Therefore, it has been classified as a Variant of Uncertain Significance.